The following is an entry in ClinVar:

NM_000535.7(PMS2):c.912A>G (p.Arg304=)

Gene: PMS2 (PMS1 homolog 2, mismatch repair system component; minus strand). Cytogenetic location: 7p22.1.
Variant type: single nucleotide variant.
Coding change: c.912A>G on transcript NM_000535.7 (MANE Select); coding-DNA position 912, A replaced by G.
Protein change: p.Arg304=; no amino-acid change (arginine 304 retained).
Molecular consequence: synonymous variant. On other transcripts: 5 prime UTR variant (2), non-coding transcript variant (1).
Genome position (GRCh38, 1-based): chr7:5,992,049, T>C on the plus strand (A>G on the coding strand, the complement: PMS2 is on the minus strand). VCF-style: chr7-5992049-T-C. GRCh37 (hg19) VCF-style: chr7-6031680-T-C.
Other names: c.507A>G, p.Arg169= (NM_001322003.2, NM_001322004.2, NM_001322005.2 and 2 more transcripts); c.912A>G, p.Arg304= (NM_001322006.2, NM_001322014.2); c.594A>G, p.Arg198= (NM_001322007.2, NM_001322008.2); c.-22A>G (NM_001322011.2, NM_001322012.2); c.339A>G, p.Arg113= (NM_001322013.2); c.603A>G, p.Arg201= (NM_001322015.2).
Identifiers: ClinVar variation 823038 (VCV000823038.14), dbSNP rs1490717599, ClinGen allele CA453645417.
Genomic context (GRCh38, chr7:5,992,049, plus strand): 5'-GTTAAGAACAACAAATGGATACTGGTGTCGATTATACATGTGGTAGACCTCATTCACGAG[T>C]CTGCAGACCTGCACAAAATACAAGGAGTAGAAAAGAATAAATGACAAATGTTCCCAGCCC-3'
Protein context (NP_000526.2, residues 294-314): RRPCDPAKVC[Arg304=]LVNEVYHMYN

ClinVar aggregate classification (germline): Benign/Likely benign. Review status: criteria provided, multiple submitters, no conflicts (2 of 4 stars). 3 submissions from 3 submitters: Benign (1); Likely benign (2). Last evaluated 2025-10-06.

Conditions:
Hereditary cancer-predisposing syndrome. Also called: Tumor predisposition; Hereditary Cancer Syndrome; Neoplastic Syndromes, Hereditary; Hereditary neoplastic syndrome. Identifiers: Orphanet 140162, MedGen C0027672, MeSH D009386, MONDO:0015356.
Lynch syndrome 4 (LYNCH4). Also called: Colorectal cancer, hereditary nonpolyposis, type 4; Hereditary non-polyposis colorectal cancer, type 4. Identifiers: Orphanet 144, MedGen C1838333, MONDO:0013699, OMIM 614337. Disease mechanism: loss of function.
Hereditary nonpolyposis colorectal neoplasms. Identifiers: MedGen C0009405, MeSH D003123.

Allele frequency attached by ClinVar (database versions not stated): gnomAD exomes below 0.00001.
gnomAD v4.1: 2 of 1,557,808 alleles (0.00013%); no homozygotes.

Submissions (3):

Labcorp Genetics (formerly Invitae), Labcorp
Classification: Likely benign for Hereditary nonpolyposis colorectal neoplasms. Last evaluated: 2025-10-06. Review status: criteria provided, single submitter. Criteria: Invitae Variant Classification Sherloc (09022015). Collection method: clinical testing. Allele origin: germline.

Myriad Genetics, Inc.
Classification: Benign for Lynch syndrome 4. Last evaluated: 2025-01-29. Review status: criteria provided, single submitter. Criteria: Myriad Autosomal Dominant, Autosomal Recessive and X-Linked Classification Criteria (2023). Collection method: clinical testing. Allele origin: unknown.
Comment: This variant is considered benign. This variant is a silent/synonymous amino acid change and it is not expected to impact splicing.

Ambry Genetics
Classification: Likely benign for Hereditary cancer-predisposing syndrome. Last evaluated: 2015-12-14. Review status: criteria provided, single submitter. Criteria: Ambry Variant Classification Scheme 2023. Collection method: clinical testing. Allele origin: germline.